The following is an entry in ClinVar:

ClinVar aggregate classification (germline): Uncertain significance (1 of 4 stars; one submission).

Conditions:
Ehlers-Danlos syndrome, dermatosparaxis type. Also called: Dermatosparaxis; Ehlers-Danlos syndrome, type VII, autosomal recessive; EDS VIIC. Identifiers: Orphanet 1901, MedGen C2700425, MONDO:0009161, OMIM 225410.

Allele frequency attached by ClinVar (database versions not stated): gnomAD exomes 0.00001.
gnomAD v4.1: 8 of 1,614,096 alleles (0.0005%); highest among the groups gnomAD compares: Non-Finnish European, 0.00068%; no homozygotes.

Submission:

Labcorp Genetics (formerly Invitae), Labcorp
Classification: Uncertain significance for Ehlers-Danlos syndrome, dermatosparaxis type. Last evaluated: 2022-02-22. Review status: criteria provided, single submitter. Criteria: Invitae Variant Classification Sherloc (09022015). Collection method: clinical testing. Allele origin: germline.
Comment: This sequence change falls in intron 6 of the ADAMTS2 gene. It does not directly change the encoded amino acid sequence of the ADAMTS2 protein. It affects a nucleotide within the consensus splice site. This variant is present in population databases (no rsID available, gnomAD 0.0009%). This variant has not been reported in the literature in individuals affected with ADAMTS2-related conditions. Variants that disrupt the consensus splice site are a relatively common cause of aberrant splicing (PMID: 17576681, 9536098). Algorithms developed to predict the effect of sequence changes on RNA splicing suggest that this variant is not likely to affect RNA splicing. In summary, the available evidence is currently insufficient to determine the role of this variant in disease. Therefore, it has been classified as a Variant of Uncertain Significance.

Literature cited by the submitters: PubMed 17576681; PubMed 9536098.

NM_014244.5(ADAMTS2):c.1132+6C>T

Gene: ADAMTS2 (ADAM metallopeptidase with thrombospondin type 1 motif 2; minus strand). Cytogenetic location: 5q35.3.
Variant type: single nucleotide variant.
Coding change: c.1132+6C>T on transcript NM_014244.5 (MANE Select); 6 bases into the intron after coding-DNA position 1132, C replaced by T.
Molecular consequence: intron variant.
Genome position (GRCh38, 1-based): chr5:179,158,717, G>A on the plus strand (C>T on the coding strand, the complement: ADAMTS2 is on the minus strand). VCF-style: chr5-179158717-G-A. GRCh37 (hg19) VCF-style: chr5-178585718-G-A.
Other names: c.1132+6C>T (NM_021599.4).
Identifiers: ClinVar variation 2166734 (VCV002166734.4), dbSNP rs1271748535, ClinGen allele CA564902314.